The following is an entry in ClinVar:

ClinVar aggregate classification (germline): Pathogenic/Likely pathogenic. Review status: criteria provided, multiple submitters, no conflicts (2 of 4 stars). 2 submissions from 2 submitters: Pathogenic (1); Likely pathogenic (1). Last evaluated 2025-01-24.

Conditions:
Progressive familial intrahepatic cholestasis type 2. Identifiers: Orphanet 79304, MedGen C3489789, MONDO:0011156, OMIM 601847.

Allele frequency attached by ClinVar (database versions not stated): gnomAD exomes below 0.00001.
gnomAD v4.1: 1 of 1,611,710 alleles (0.000062%); highest among the groups gnomAD compares: African/African-American, 0.0013%; no homozygotes.

Submissions (2):

Broad Center for Mendelian Genomics, Broad Institute of MIT and Harvard
Classification: Likely pathogenic for Progressive familial intrahepatic cholestasis type 2. Last evaluated: 2025-01-24. Review status: criteria provided, single submitter. Criteria: ACMG Guidelines, 2015. Collection method: curation. Allele origin: germline. Inheritance: Autosomal recessive inheritance.
Comment: The c.1810-1G>A variant in ABCB11 has not been previously reported in the literature in individuals with BSEP deficiency, but has been identified in 0.001% (1/74936) of African/African American chromosomes by the Genome Aggregation Database (gnomAD; dbSNP rs1553466082). Although this variant has been seen in the general population in a heterozygous state, its frequency is low enough to be consistent with a recessive carrier frequency. This variant has also been reported in ClinVar (Variation ID: 500951) and has been interpreted as pathogenic by Eurofins Ntd Llc. This variant is located in the 5' splice region. Computational tools predict a splicing impact, though this information is not predictive enough to determine pathogenicity. Loss of function of the ABCB11 gene is an established disease mechanism in autosomal recessive BSEP deficiency. In summary, although additional studies are required to fully establish its clinical significance, this variant is likely pathogenic for autosomal recessive BSEP deficiency. ACMG/AMP Criteria applied: PVS1, PM2_supporting (Richards 2015).

Eurofins Ntd Llc (ga)
Classification: Pathogenic. Last evaluated: 2017-03-21. Review status: criteria provided, single submitter. Criteria: EGL Classification Definitions 2015. Collection method: clinical testing. Allele origin: germline. Observed: 1 variant allele, 1 homozygote.

NM_003742.4(ABCB11):c.1810-1G>A

Gene: ABCB11 (ATP binding cassette subfamily B member 11; minus strand). Cytogenetic location: 2q31.1.
Variant type: single nucleotide variant.
Coding change: c.1810-1G>A on transcript NM_003742.4 (MANE Select); the canonical splice acceptor site of the intron before coding-DNA position 1810, G replaced by A.
Molecular consequence: splice acceptor variant.
Genome position (GRCh38, 1-based): chr2:168,969,552, C>T on the plus strand (G>A on the coding strand, the complement: ABCB11 is on the minus strand). VCF-style: chr2-168969552-C-T. GRCh37 (hg19) VCF-style: chr2-169826062-C-T.
Identifiers: ClinVar variation 500951 (VCV000500951.5), dbSNP rs1553466082, ClinGen allele CA349112728.